The following is an entry in ClinVar:

NM_001267550.2(TTN):c.62468G>A (p.Arg20823His)

Genes: TTN (titin; minus strand), TTN-AS1 (TTN antisense RNA 1; plus strand). Cytogenetic location: 2q31.2.
Variant type: single nucleotide variant.
Coding change: c.62468G>A on transcript NM_001267550.2 (MANE Select); coding-DNA position 62468, G replaced by A.
Protein change: p.Arg20823His; replaces arginine 20823 with histidine.
Molecular consequence: missense variant.
Genome position (GRCh38, 1-based): chr2:178,589,257, C>T on the plus strand (G>A on the coding strand, the complement: TTN is on the minus strand). VCF-style: chr2-178589257-C-T. GRCh37 (hg19) VCF-style: chr2-179453984-C-T.
Other names: c.35648G>A, p.Arg11883His (NM_133432.3); c.35849G>A, p.Arg11950His (NM_133437.4); c.57545G>A, p.Arg19182His (NM_001256850.1); c.35273G>A, p.Arg11758His (NM_003319.4); c.54764G>A, p.Arg18255His (NM_133378.4); short protein forms R18255H, R20823H, R19182H, R11758H, R11883H, R11950H.
Identifiers: ClinVar variation 502383 (VCV000502383.52), dbSNP rs758019778, ClinGen allele CA1992222.
Genomic context (GRCh38, chr2:178,589,257, plus strand): 5'-ACATATTTACCCCCATCACTTCGCTTTGCTTTAGTAAGAGAAAATTTAGATGAATCAGCA[C>T]GGGTATCAATCTTGACCCTTGGTGATCTTGTTAAGTCTGTAGCGTCTTTGTCCTTGGTCC-3'
Protein context (NP_001254479.2, residues 20813-20833): TRSPRVKIDT[Arg20823His]ADSSKFSLTK

ClinVar aggregate classification (germline): Conflicting classifications of pathogenicity. Review status: criteria provided, conflicting classifications (1 of 4 stars). 7 submissions from 7 submitters: Uncertain significance (6); Likely benign (1). Last evaluated 2026-03-11.

Conditions:
Dilated cardiomyopathy 1G (CMD1G). Identifiers: Orphanet 154, MedGen C1858763, MONDO:0011400, OMIM 604145.
Autosomal recessive limb-girdle muscular dystrophy type 2J (LGMDR10). Also called: Limb-girdle muscular dystrophy, type 2J; MUSCULAR DYSTROPHY, LIMB-GIRDLE, AUTOSOMAL RECESSIVE 10. Identifiers: Orphanet 140922, MedGen C1837342, MONDO:0012127, OMIM 608807.
TTN-related disorder. Also called: TTN-related condition; TTN-related disease; TTN-related disorders.

Allele frequency attached by ClinVar (database versions not stated): gnomAD 0.00003; gnomAD exomes 0.00003 and 0.00005; TOPMed 0.00005; ExAC 0.00008.
gnomAD v4.1: 46 of 1,613,352 alleles (0.0029%); highest among the groups gnomAD compares: South Asian, 0.021%; no homozygotes.

Submissions (7):

PreventionGenetics, part of Exact Sciences
Classification: Uncertain significance for TTN-related condition. Last evaluated: 2026-03-11. Review status: criteria provided, single submitter. Criteria: ACMG Guidelines, 2015. Collection method: clinical testing. Allele origin: germline.
Comment: The TTN c.62468G>A variant is predicted to result in the amino acid substitution p.Arg20823His. To our knowledge, this variant has not been reported in the literature. This variant is reported in 0.023% of alleles in individuals of South Asian descent in gnomAD. At this time, the clinical significance of this variant is uncertain due to the absence of conclusive functional and genetic evidence.

Women's Health and Genetics/Laboratory Corporation of America, LabCorp
Classification: Uncertain significance. Last evaluated: 2025-11-03. Review status: criteria provided, single submitter. Criteria: LabCorp Variant Classification Summary - May 2015. Collection method: clinical testing. Allele origin: germline.
Comment: Variant summary: TTN c.54764G>A (p.Arg18255His) results in a non-conservative amino acid change in the encoded protein sequence. Algorithms developed to predict the effect of missense changes on protein structure and function are either unavailable or do not agree on the potential impact of this missense change. The variant allele was found at a frequency of 5.2e-05 in 248638 control chromosomes. This frequency is not significantly higher than estimated for disease-causing variants in TTN, allowing no conclusion about variant significance. To our knowledge, no occurrence of c.54764G>A in individuals affected with TTN-related conditions and no experimental evidence demonstrating its impact on protein function have been reported. ClinVar contains an entry for this variant (Variation ID: 502383). Based on the evidence outlined above, the variant was classified as uncertain significance.

Revvity Omics, Revvity
Classification: Uncertain significance. Last evaluated: 2020-09-04. Review status: criteria provided, single submitter. Criteria: ACMG Guidelines, 2015. Collection method: clinical testing. Allele origin: germline.

Labcorp Genetics (formerly Invitae), Labcorp
Classification: Uncertain significance for Dilated cardiomyopathy 1G; Autosomal recessive limb-girdle muscular dystrophy type 2J. Last evaluated: 2017-11-02. Review status: criteria provided, single submitter. Criteria: Invitae Variant Classification Sherloc (09022015). Collection method: clinical testing. Allele origin: germline.

Eurofins Ntd Llc (ga)
Classification: Uncertain significance. Last evaluated: 2017-06-05. Review status: criteria provided, single submitter. Criteria: EGL Classification Definitions 2015. Collection method: clinical testing. Allele origin: germline. Observed: 1 variant allele, 1 heterozygote.

GeneDx
Classification: Likely benign. Last evaluated: 2017-02-24. Review status: criteria provided, single submitter. Criteria: GeneDx Variant Classification (06012015). Collection method: clinical testing. Allele origin: germline. Affected: yes.
Comment: This variant is considered likely benign or benign based on one or more of the following criteria: it is a conservative change, it occurs at a poorly conserved position in the protein, it is predicted to be benign by multiple in silico algorithms, and/or has population frequency not consistent with disease.

CeGaT Center for Human Genetics Tuebingen
Classification: Uncertain significance. Last evaluated: 2016-06-01. Review status: criteria provided, single submitter. Criteria: CeGaT Center For Human Genetics Tuebingen Variant Classification Criteria Version 2. Collection method: clinical testing. Allele origin: germline. Affected: yes. Observed: 1 variant allele.